The following is an entry in ClinVar:

NM_000218.3(KCNQ1):c.1394-13764C>T

Genes: KCNQ1 (potassium voltage-gated channel subfamily Q member 1; plus strand), KCNQ1OT1 (KCNQ1 opposite strand/antisense transcript 1; minus strand). Cytogenetic location: 11p15.5.
Variant type: single nucleotide variant.
Coding change: c.1394-13764C>T on transcript NM_000218.3 (MANE Select); 13764 bases into the intron before coding-DNA position 1394, C replaced by T.
Molecular consequence: intron variant. On other transcripts: non-coding transcript variant (1).
Genome position (GRCh38, 1-based): chr11:2,648,197, C>T. VCF-style: chr11-2648197-C-T. GRCh37 (hg19) VCF-style: chr11-2669427-C-T.
Other names: c.1124-13764C>T (NM_001406837.1); c.1298-13764C>T (NM_001406836.1); c.854-13764C>T (NM_001406838.1); c.1013-13764C>T (NM_181798.2).
Identifiers: ClinVar variation 2672446 (VCV002672446.23), dbSNP rs564466058, ClinGen allele CA216160507.

ClinVar aggregate classification (germline): Benign (1 of 4 stars; one submission).

Allele frequency attached by ClinVar (database versions not stated): gnomAD 0.00096.
gnomAD v4.1: 355 of 118,188 alleles (0.3%); highest among the groups gnomAD compares: Middle Eastern, 0.46%; 2 homozygotes.

Submission:

CeGaT Center for Human Genetics Tuebingen
Classification: Benign. Last evaluated: 2026-01-01. Review status: criteria provided, single submitter. Criteria: CeGaT Center For Human Genetics Tuebingen Variant Classification Criteria Version 2. Collection method: clinical testing. Allele origin: germline. Affected: yes. Observed: 21 variant alleles.
Comment: KCNQ1OT1: BS1, BS2